The following is an entry in ClinVar:

ClinVar aggregate classification (germline): Uncertain significance (1 of 4 stars; one submission).

Conditions:
Early-onset Parkinson disease 20. Also called: PARKINSON DISEASE 20, AUTOSOMAL RECESSIVE EARLY-ONSET. Identifiers: Orphanet 391411, MedGen C3809824, MONDO:0014233, OMIM 615530.
Developmental and epileptic encephalopathy, 53. Also called: Epileptic encephalopathy, early infantile, 53. Identifiers: MedGen C4479313, MONDO:0033362, OMIM 617389.

Allele frequency attached by ClinVar (database versions not stated): gnomAD exomes below 0.00001.

Submission:

Labcorp Genetics (formerly Invitae), Labcorp
Classification: Uncertain significance for Developmental and epileptic encephalopathy, 53; Early-onset Parkinson disease 20. Last evaluated: 2021-05-12. Review status: criteria provided, single submitter. Criteria: Invitae Variant Classification Sherloc (09022015). Collection method: clinical testing. Allele origin: germline.
Comment: This sequence change results in a premature translational stop signal in the SYNJ1 gene (p.Thr1449Leufs*64). While this is not anticipated to result in nonsense mediated decay, it is expected to disrupt the last 164 amino acids of the SYNJ1 protein. This variant is not present in population databases (ExAC no frequency). This variant has not been reported in the literature in individuals with SYNJ1-related disease. In summary, the available evidence is currently insufficient to determine the role of this variant in disease. Therefore, it has been classified as a Variant of Uncertain Significance.

NM_203446.3(SYNJ1):c.*316del

Gene: SYNJ1 (synaptojanin 1; minus strand). Cytogenetic location: 21q22.11.
Variant type: Deletion.
Coding change: c.*316del on transcript NM_203446.3 (MANE Select); 316 bases downstream of the stop codon, one base deleted (A; older notation c.*316delA).
Molecular consequence: 3 prime UTR variant. On other transcripts: frameshift variant (3).
Genome position (GRCh38, 1-based): chr21:32,631,489, T deleted on the plus strand (A on the coding strand, the reverse complement: SYNJ1 is on the minus strand). VCF-style (leftmost placement, unchanged base first): chr21-32631488-GT-G. GRCh37 (hg19) VCF-style: chr21-34003798-GT-G.
Other names: c.*316delA (NM_001160302.2); c.4087del, p.Thr1363fs (NM_001160306.2); c.4345delA, p.Thr1449Leufs (NM_003895.4); c.4345delA (NM_003895.3); short protein forms T1363fs, T1449fs.
Identifiers: ClinVar variation 571107 (VCV000571107.7), dbSNP rs1569014970, ClinGen allele CA891844100.
Genomic context (GRCh38, chr21:32,631,488, plus strand): 5'-AACCATGAAGTTGCCTCTGATTCTTCAGACTTGGCTCTAAATGGGTTTCCAGGAGCAGCA[GT>G]CCTGTCACTGAAAGGATTTGTCCTGGTCAAGCCAGTAATAAATGGGTTTGGAGAACTTCG-3'